The following is an entry in ClinVar:

NM_005560.6(LAMA5):c.1606C>T (p.Pro536Ser)

Gene: LAMA5 (laminin subunit alpha 5; minus strand). Cytogenetic location: 20q13.33.
Variant type: single nucleotide variant.
Coding change: c.1606C>T on transcript NM_005560.6 (MANE Select); coding-DNA position 1606, C replaced by T.
Protein change: p.Pro536Ser; replaces proline 536 with serine.
Molecular consequence: missense variant.
Genome position (GRCh38, 1-based): chr20:62,338,480, G>A on the plus strand (C>T on the coding strand, the complement: LAMA5 is on the minus strand). VCF-style: chr20-62338480-G-A. GRCh37 (hg19) VCF-style: chr20-60913536-G-A.
Other names: short protein forms P536S.
Identifiers: ClinVar variation 1972932 (VCV001972932.5), dbSNP rs2516162825, ClinGen allele CA409572023.

ClinVar aggregate classification (germline): Uncertain significance (1 of 4 stars; one submission).

gnomAD v4.1: 1 of 1,608,674 alleles (0.000062%); highest among the groups gnomAD compares: Non-Finnish European, 0.000085%; no homozygotes.

Submission:

Labcorp Genetics (formerly Invitae), Labcorp
Classification: Uncertain significance. Last evaluated: 2022-06-20. Review status: criteria provided, single submitter. Criteria: Invitae Variant Classification Sherloc (09022015). Collection method: clinical testing. Allele origin: germline.
Comment: In summary, the available evidence is currently insufficient to determine the role of this variant in disease. Therefore, it has been classified as a Variant of Uncertain Significance. Algorithms developed to predict the effect of missense changes on protein structure and function output the following: SIFT: "Tolerated"; PolyPhen-2: "Possibly Damaging"; Align-GVGD: "Class C0". The serine amino acid residue is found in multiple mammalian species, which suggests that this missense change does not adversely affect protein function. This variant has not been reported in the literature in individuals affected with LAMA5-related conditions. This variant is not present in population databases (gnomAD no frequency). This sequence change replaces proline, which is neutral and non-polar, with serine, which is neutral and polar, at codon 536 of the LAMA5 protein (p.Pro536Ser).